The following is an entry in ClinVar:

NM_017565.4(FAM20A):c.1572C>T (p.Asp524=)

Genes: FAM20A (FAM20A golgi associated secretory pathway pseudokinase; minus strand), PRKAR1A (protein kinase cAMP-dependent type I regulatory subunit alpha; plus strand). Cytogenetic location: 17q24.2.
Variant type: single nucleotide variant.
Coding change: c.1572C>T on transcript NM_017565.4 (MANE Select); coding-DNA position 1572, C replaced by T.
Protein change: p.Asp524=; no amino-acid change (aspartic acid 524 retained).
Molecular consequence: synonymous variant. On other transcripts: non-coding transcript variant (1), intron variant (1).
Genome position (GRCh38, 1-based): chr17:68,537,531, G>A on the plus strand (C>T on the coding strand, the complement: FAM20A is on the minus strand). VCF-style: chr17-68537531-G-A. GRCh37 (hg19) VCF-style: chr17-66533672-G-A.
Other names: c.1158C>T, p.Asp386= (NM_001243746.2); c.973+7530G>A (NM_001276290.1).
Identifiers: ClinVar variation 2890475 (VCV002890475.5), dbSNP rs780208759, ClinGen allele CA8729623.

ClinVar aggregate classification (germline): Likely benign. Review status: criteria provided, multiple submitters, no conflicts (2 of 4 stars). 2 submissions from 2 submitters: Likely benign (2). Last evaluated 2026-08-01.

Allele frequency attached by ClinVar (database versions not stated): TOPMed 0.00003; ExAC 0.00004; gnomAD 0.00004; gnomAD exomes 0.00006.
gnomAD v4.1: 86 of 1,613,656 alleles (0.0053%); highest among the groups gnomAD compares: Non-Finnish European, 0.0064%; no homozygotes.

Submissions (2):

CeGaT Center for Human Genetics Tuebingen
Classification: Likely benign. Last evaluated: 2026-08-01. Review status: criteria provided, single submitter. Criteria: CeGaT Center For Human Genetics Tuebingen Variant Classification Criteria Version 2. Collection method: clinical testing. Allele origin: germline. Affected: yes. Observed: 2 variant alleles.
Comment: FAM20A: BP4, BP7

Labcorp Genetics (formerly Invitae), Labcorp
Classification: Likely benign. Last evaluated: 2022-12-25. Review status: criteria provided, single submitter. Criteria: Invitae Variant Classification Sherloc (09022015). Collection method: clinical testing. Allele origin: germline.